The following is an entry in ClinVar:

NM_032806.6(POMGNT2):c.1507A>G (p.Thr503Ala)

Gene: POMGNT2 (protein O-linked mannose N-acetylglucosaminyltransferase 2 (beta 1,4-); minus strand). Cytogenetic location: 3p22.1.
Variant type: single nucleotide variant.
Coding change: c.1507A>G on transcript NM_032806.6 (MANE Select); coding-DNA position 1507, A replaced by G.
Protein change: p.Thr503Ala; replaces threonine 503 with alanine.
Molecular consequence: missense variant.
Genome position (GRCh38, 1-based): chr3:43,079,925, T>C on the plus strand (A>G on the coding strand, the complement: POMGNT2 is on the minus strand). VCF-style: chr3-43079925-T-C. GRCh37 (hg19) VCF-style: chr3-43121417-T-C.
Other names: short protein forms T503A.
Identifiers: ClinVar variation 946809 (VCV000946809.4), dbSNP rs750683375, ClinGen allele CA2339832.

ClinVar aggregate classification (germline): Uncertain significance (1 of 4 stars; one submission).

Conditions:
Muscular dystrophy-dystroglycanopathy (congenital with brain and eye anomalies), type a, 8 (MDDGA8). Also called: WALKER-WARBURG SYNDROME OR MUSCLE-EYE-BRAIN DISEASE, GTDC2-RELATED. Identifiers: Orphanet 899, MedGen C3553813, MONDO:0013904, OMIM 614830.

Allele frequency attached by ClinVar (database versions not stated): TOPMed 0.00001; gnomAD 0.00002; gnomAD exomes 0.00002 and 0.00004; ExAC 0.00006.
gnomAD v4.1: 40 of 1,613,976 alleles (0.0025%); highest among the groups gnomAD compares: Non-Finnish European, 0.0022%; no homozygotes.

Submission:

Labcorp Genetics (formerly Invitae), Labcorp
Classification: Uncertain significance for Muscular dystrophy-dystroglycanopathy (congenital with brain and eye anomalies), type a, 8. Last evaluated: 2022-09-07. Review status: criteria provided, single submitter. Criteria: Invitae Variant Classification Sherloc (09022015). Collection method: clinical testing. Allele origin: germline.
Comment: This sequence change replaces threonine, which is neutral and polar, with alanine, which is neutral and non-polar, at codon 503 of the POMGNT2 protein (p.Thr503Ala). This variant is present in population databases (rs750683375, gnomAD 0.01%). In summary, the available evidence is currently insufficient to determine the role of this variant in disease. Therefore, it has been classified as a Variant of Uncertain Significance. Algorithms developed to predict the effect of missense changes on protein structure and function (SIFT, PolyPhen-2, Align-GVGD) all suggest that this variant is likely to be tolerated. ClinVar contains an entry for this variant (Variation ID: 946809). This variant has not been reported in the literature in individuals affected with POMGNT2-related conditions.